The following is an entry in ClinVar:

NM_000130.5(F5):c.*376A>T

Gene: F5 (coagulation factor V; minus strand). Cytogenetic location: 1q24.2.
Variant type: single nucleotide variant.
Coding change: c.*376A>T on transcript NM_000130.5 (MANE Select); 376 bases downstream of the stop codon, A replaced by T.
Molecular consequence: 3 prime UTR variant.
Genome position (GRCh38, 1-based): chr1:169,513,937, T>A on the plus strand (A>T on the coding strand, the complement: F5 is on the minus strand). VCF-style: chr1-169513937-T-A. GRCh37 (hg19) VCF-style: chr1-169483175-T-A.
Identifiers: ClinVar variation 874569 (VCV000874569.4), dbSNP rs76510731, ClinGen allele CA32417657.

ClinVar aggregate classification (germline): Benign/Likely benign. Review status: criteria provided, single submitter (1 of 4 stars). 3 submissions from 1 submitter: Benign (1); Likely benign (2). Last evaluated 2017-04-27.

Conditions:
Factor V deficiency. Also called: Reduced coagulation factor V activity. Identifiers: Orphanet 326, MedGen C4317320, MONDO:0020586, HP:0003225.
Thrombophilia due to thrombin defect (THPH1). Also called: Prothrombin Thrombophilia; Thrombosis susceptibility; THROMBOPHILIA DUE TO FACTOR 2 DEFECT; Prothrombin-Related Thrombophilia (Factor II). Identifiers: MedGen C3160733, MONDO:0008559, OMIM 188050. Disease mechanism: gain of function, loss of function.
Budd-Chiari syndrome (BDCHS). Also called: Hepatic vein obstruction. Identifiers: Orphanet 131, MedGen C0856761, MONDO:0010947, OMIM 600880, HP:0002639.

Allele frequency attached by ClinVar (database versions not stated): 1000 Genomes Project 0.00559; 1000 Genomes Project 30x 0.00656; gnomAD 0.00677 and 0.00746; TOPMed 0.00757.
gnomAD v4.1: 1,023 of 152,274 alleles (0.67%); highest among the groups gnomAD compares: African/African-American, 2.4%; 9 homozygotes.

Submissions (3):

Illumina Laboratory Services, Illumina
Classification: Likely benign for Venous thrombosis. Last evaluated: 2017-04-27. Review status: criteria provided, single submitter. Criteria: ICSL Variant Classification Criteria 13 December 2019. Collection method: clinical testing. Allele origin: germline.
Comment: This variant was observed as part of a predisposition screen in an ostensibly healthy population. A literature search was performed for the gene, cDNA change, and amino acid change (where applicable). No publications were found based on this search. Allele frequency data from public databases allowed determination this variant is unlikely to cause disease. Therefore, this variant is classified as likely benign.

Illumina Laboratory Services, Illumina
Classification: Benign for Congenital factor V deficiency. Last evaluated: 2017-04-27. Review status: criteria provided, single submitter. Criteria: ICSL Variant Classification Criteria 13 December 2019. Collection method: clinical testing. Allele origin: germline.
Comment: This variant was observed as part of a predisposition screen in an ostensibly healthy population. A literature search was performed for the gene, cDNA change, and amino acid change (where applicable). No publications were found based on this search. Allele frequency data from public databases was too high to be consistent with this variant causing disease. Therefore, this variant is classified as benign.

Illumina Laboratory Services, Illumina
Classification: Likely benign for Budd-Chiari syndrome. Last evaluated: 2017-04-27. Review status: criteria provided, single submitter. Criteria: ICSL Variant Classification Criteria 13 December 2019. Collection method: clinical testing. Allele origin: germline.
Comment: the same text as in the submission from Illumina Laboratory Services, Illumina above.